The following is an entry in ClinVar:

NM_001297.5(CNGB1):c.3305G>A (p.Arg1102Gln)

Gene: CNGB1 (cyclic nucleotide gated channel subunit beta 1; minus strand). Cytogenetic location: 16q21.
Variant type: single nucleotide variant.
Coding change: c.3305G>A on transcript NM_001297.5 (MANE Select); coding-DNA position 3305, G replaced by A.
Protein change: p.Arg1102Gln; replaces arginine 1102 with glutamine.
Molecular consequence: missense variant.
Genome position (GRCh38, 1-based): chr16:57,888,012, C>T on the plus strand (G>A on the coding strand, the complement: CNGB1 is on the minus strand). VCF-style: chr16-57888012-C-T. GRCh37 (hg19) VCF-style: chr16-57921916-C-T.
Other names: c.3287G>A, p.Arg1096Gln (NM_001286130.2); short protein forms R1102Q, R1096Q.
Identifiers: ClinVar variation 196773 (VCV000196773.14), dbSNP rs368987059, ClinGen allele CA244141.

ClinVar aggregate classification (germline): Uncertain significance. Review status: criteria provided, multiple submitters, no conflicts (2 of 4 stars). 3 submissions from 3 submitters: Uncertain significance (2). 1 of the submissions does not count toward it. Last evaluated 2024-11-05.

Conditions:
Retinal dystrophy. Also called: Inherited retinal dystrophy. Identifiers: Orphanet 71862, MedGen C0854723, MeSH D058499, MONDO:0019118, HP:0000556.

Allele frequency attached by ClinVar (database versions not stated): gnomAD 0.00002 and 0.00003; gnomAD exomes 0.00002 and 0.00004; TOPMed 0.00003; ExAC 0.00005; ESP Exome Variant Server 0.00008; 1000 Genomes Project 30x 0.00016; 1000 Genomes Project 0.00020.
gnomAD v4.1: 31 of 1,614,128 alleles (0.0019%); highest among the groups gnomAD compares: East Asian, 0.02%; no homozygotes.

Submissions (3):

Labcorp Genetics (formerly Invitae), Labcorp
Classification: Uncertain significance. Last evaluated: 2024-11-05. Review status: criteria provided, single submitter. Criteria: Invitae Variant Classification Sherloc (09022015). Collection method: clinical testing. Allele origin: germline.
Comment: This sequence change replaces arginine, which is basic and polar, with glutamine, which is neutral and polar, at codon 1102 of the CNGB1 protein (p.Arg1102Gln). This variant is present in population databases (rs368987059, gnomAD 0.02%). This variant has not been reported in the literature in individuals affected with CNGB1-related conditions. ClinVar contains an entry for this variant (Variation ID: 196773). Invitae Evidence Modeling of protein sequence and biophysical properties (such as structural, functional, and spatial information, amino acid conservation, physicochemical variation, residue mobility, and thermodynamic stability) indicates that this missense variant is not expected to disrupt CNGB1 protein function with a negative predictive value of 80%. In summary, the available evidence is currently insufficient to determine the role of this variant in disease. Therefore, it has been classified as a Variant of Uncertain Significance.

Eurofins Ntd Llc (ga)
Classification: Uncertain significance. Last evaluated: 2015-03-16. Review status: criteria provided, single submitter. Criteria: EGL Classification Definitions 2015. Collection method: clinical testing. Allele origin: germline. Observed: 1 variant allele, 1 heterozygote.

Institute of Human Genetics, Univ. Regensburg, Univ. Regensburg
Classification: Uncertain significance for Retinal dystrophy. Last evaluated: 2017-01-01. Review status: no assertion criteria provided. Criteria: ACMG Guidelines, 2015. Collection method: clinical testing. Allele origin: germline. Affected: yes. Not counted in ClinVar's aggregate classification.